The following is an entry in ClinVar:

ClinVar aggregate classification (germline): Conflicting classifications of pathogenicity. Review status: criteria provided, conflicting classifications (1 of 4 stars). 6 submissions from 6 submitters: Uncertain significance (4); Likely benign (1). 1 of the submissions does not count toward it. Last evaluated 2026-04-07.

Conditions:
ZNF469-related disorder. Also called: ZNF469-related condition.
Cardiovascular phenotype. Identifiers: MedGen CN230736.

Allele frequency attached by ClinVar (database versions not stated): gnomAD 0.00002; ExAC 0.00007.
gnomAD v4.1: 169 of 1,549,982 alleles (0.011%); highest among the groups gnomAD compares: Non-Finnish European, 0.014%; no homozygotes.

Submissions (6):

Women's Health and Genetics/Laboratory Corporation of America, LabCorp
Classification: Uncertain significance. Last evaluated: 2026-04-07. Review status: criteria provided, single submitter. Criteria: LabCorp Variant Classification Summary - May 2015. Collection method: clinical testing. Allele origin: germline.

Mayo Clinic Laboratories, Mayo Clinic
Classification: Uncertain significance. Last evaluated: 2025-10-24. Review status: criteria provided, single submitter. Criteria: ACMG Guidelines, 2015. Collection method: clinical testing. Allele origin: germline. Observed: 1 variant allele.
Comment: BP4_moderate

Ambry Genetics
Classification: Likely benign for Cardiovascular phenotype. Last evaluated: 2024-11-13. Review status: criteria provided, single submitter. Criteria: Ambry Variant Classification Scheme 2023. Collection method: clinical testing. Allele origin: germline.

GeneDx
Classification: Uncertain significance. Last evaluated: 2022-04-07. Review status: criteria provided, single submitter. Criteria: GeneDx Variant Classification Process June 2021. Collection method: clinical testing. Allele origin: germline. Affected: yes.
Comment: Not observed at significant frequency in large population cohorts (gnomAD); In silico analysis supports that this missense variant does not alter protein structure/function; Has not been previously published as pathogenic or benign to our knowledge

Labcorp Genetics (formerly Invitae), Labcorp
Classification: Uncertain significance. Last evaluated: 2022-03-13. Review status: criteria provided, single submitter. Criteria: Invitae Variant Classification Sherloc (09022015). Collection method: clinical testing. Allele origin: germline.
Comment: This sequence change replaces alanine, which is neutral and non-polar, with threonine, which is neutral and polar, at codon 3684 of the ZNF469 protein (p.Ala3684Thr). This variant is present in population databases (rs759634111, gnomAD 0.01%). This variant has not been reported in the literature in individuals affected with ZNF469-related conditions. ClinVar contains an entry for this variant (Variation ID: 1211485). Algorithms developed to predict the effect of missense changes on protein structure and function output the following: SIFT: "Tolerated"; PolyPhen-2: "Possibly Damaging"; Align-GVGD: "Class C0". The threonine amino acid residue is found in multiple mammalian species, which suggests that this missense change does not adversely affect protein function. In summary, the available evidence is currently insufficient to determine the role of this variant in disease. Therefore, it has been classified as a Variant of Uncertain Significance.

PreventionGenetics, part of Exact Sciences
Classification: Uncertain significance for ZNF469-related condition. Last evaluated: 2023-12-05. Review status: no assertion criteria provided. Collection method: clinical testing. Allele origin: germline. Not counted in ClinVar's aggregate classification.
Comment: The ZNF469 c.11050G>A variant is predicted to result in the amino acid substitution p.Ala3684Thr. To our knowledge, this variant has not been reported in the literature. This variant is reported in 0.0090% of alleles in individuals of European (Non-Finnish) descent in gnomAD. At this time, the clinical significance of this variant is uncertain due to the absence of conclusive functional and genetic evidence.

NM_001367624.2(ZNF469):c.11134G>A (p.Ala3712Thr)

Gene: ZNF469 (zinc finger protein 469; plus strand). Cytogenetic location: 16q24.2.
Variant type: single nucleotide variant.
Coding change: c.11134G>A on transcript NM_001367624.2 (MANE Select); coding-DNA position 11134, G replaced by A.
Protein change: p.Ala3712Thr; replaces alanine 3712 with threonine.
Molecular consequence: missense variant.
Genome position (GRCh38, 1-based): chr16:88,438,604, G>A. VCF-style: chr16-88438604-G-A. GRCh37 (hg19) VCF-style: chr16-88505012-G-A.
Other names: NM_001127464.1:c.11050G>A; NM_001127464.2:c.11050G>A; p.Ala3712Thr; short protein forms A3712T.
Identifiers: ClinVar variation 1211485 (VCV001211485.14), dbSNP rs759634111, ClinGen allele CA8225585.
Genomic context (GRCh38, chr16:88,438,604, plus strand): 5'-GCACTCAAGTTCCCAGTGCACCCAAGGAAGGCGGTGGGGAGCCTGGCACCCGGGGAGCTG[G>A]CCCGTGGCACAGAGAATGGGATGAAGCCCGCCACCCCCAAAGCCAAACCCGGCCCCAGCT-3'
Protein context (NP_001354553.1, residues 3702-3722): AVGSLAPGEL[Ala3712Thr]RGTENGMKPA